The following is an entry in ClinVar:

NM_001354930.2(RIPK1):c.970G>C (p.Asp324His)

Gene: RIPK1 (receptor interacting serine/threonine kinase 1; plus strand). Cytogenetic location: 6p25.2.
Variant type: single nucleotide variant.
Coding change: c.970G>C on transcript NM_001354930.2 (MANE Select); coding-DNA position 970, G replaced by C.
Protein change: p.Asp324His; replaces aspartic acid 324 with histidine.
Molecular consequence: missense variant.
Genome position (GRCh38, 1-based): chr6:3,104,279, G>C. VCF-style: chr6-3104279-G-C. GRCh37 (hg19) VCF-style: chr6-3104513-G-C.
Other names: c.481G>C, p.Asp161His (NM_001317061.3, NM_001354932.2, NM_001354933.2 and 1 more transcripts); c.832G>C, p.Asp278His (NM_001354931.2); c.970G>C, p.Asp324His (NM_003804.6); short protein forms D324H, D278H, D161H.
Identifiers: ClinVar variation 870219 (VCV000870219.5), dbSNP rs1760720617, ClinGen allele CA362570188.

ClinVar aggregate classification (germline): Pathogenic. Review status: criteria provided, multiple submitters, no conflicts (2 of 4 stars). 3 submissions from 3 submitters: Pathogenic (2). 1 of the submissions does not count toward it. Last evaluated 2024-11-12.

Conditions:
Autoinflammation with episodic fever and lymphadenopathy. Also called: CLEAVAGE-RESISTANT RIPK1-INDUCED AUTOINFLAMMATORY SYNDROME; CRIA SYNDROME. Identifiers: MedGen C5394286, MONDO:0030018, OMIM 618852.
RIPK1-related disorder. Also called: RIPK1-related condition.

Submissions (3):

Labcorp Genetics (formerly Invitae), Labcorp
Classification: Pathogenic. Last evaluated: 2024-11-12. Review status: criteria provided, single submitter. Criteria: Invitae Variant Classification Sherloc (09022015). Collection method: clinical testing. Allele origin: germline.
Comment: This sequence change replaces aspartic acid, which is acidic and polar, with histidine, which is basic and polar, at codon 324 of the RIPK1 protein (p.Asp324His). This variant is not present in population databases (gnomAD no frequency). This missense change has been observed in individual(s) with autoinflammation with episodic fever and lymphadenopathy (PMID: 31827280, 31827281). In at least one individual the variant was observed to be de novo. It has also been observed to segregate with disease in related individuals. ClinVar contains an entry for this variant (Variation ID: 870219). An algorithm developed to predict the effect of missense changes on protein structure and function (PolyPhen-2) suggests that this variant is likely to be disruptive. Experimental studies have shown that this missense change affects RIPK1 function (PMID: 31827280, 31827281). This variant disrupts the p.Asp324 amino acid residue in RIPK1. Other variant(s) that disrupt this residue have been determined to be pathogenic (PMID: 31827281). This suggests that this residue is clinically significant, and that variants that disrupt this residue are likely to be disease-causing. For these reasons, this variant has been classified as Pathogenic.

Blueprint Genetics
Classification: Pathogenic for RIPK1-related disorders. Last evaluated: 2023-07-03. Review status: criteria provided, single submitter. Criteria: ACMG Guidelines, 2015. Collection method: clinical testing. Allele origin: germline. Affected: yes. Observed: 1 variant allele.

OMIM
Classification: Pathogenic for AUTOINFLAMMATION WITH EPISODIC FEVER AND LYMPHADENOPATHY. Last evaluated: 2020-04-29. Review status: no assertion criteria provided. Collection method: literature only. Allele origin: germline. Not counted in ClinVar's aggregate classification.

Literature cited by the submitters: PubMed 31827280 (cited by Labcorp Genetics (formerly Invitae), Labcorp and OMIM); PubMed 31827281 (cited by Labcorp Genetics (formerly Invitae), Labcorp and OMIM).